The following is an entry in ClinVar:

ClinVar aggregate classification (germline): Uncertain significance (1 of 4 stars; one submission).

Conditions:
MADD-related disorder. Also called: MADD-related condition; MADD-Related Disorders.

gnomAD v4.1: 273 of 1,502,402 alleles (0.018%); highest among the groups gnomAD compares: East Asian, 0.5%; 1 homozygote.

Submission:

3billion
Classification: Uncertain significance for MADD-related disorder. Last evaluated: 2024-12-10. Review status: criteria provided, single submitter. Criteria: ACMG Guidelines, 2015. Collection method: clinical testing. Allele origin: germline. Affected: yes.
Comment: The variant is observed at an extremely low frequency in the gnomAD v4.1.0 dataset (total allele frequency: 0.018%). Predicted Consequence/Location: Intron variant In silico tools predict the variant to alter splicing and produce an abnormal transcript [SpliceAI: 0.69 (>=0.2, moderate evidence for spliceogenicity)]. Therefore, this variant is classified as VUS according to the recommendation of ACMG/AMP guideline.

NM_001376571.1(MADD):c.2817-79G>A

Gene: MADD (MAP kinase activating death domain; plus strand). Cytogenetic location: 11p11.2.
Variant type: single nucleotide variant.
Coding change: c.2817-79G>A on transcript NM_001376571.1 (MANE Select); 79 bases into the intron before coding-DNA position 2817, G replaced by A.
Molecular consequence: intron variant. On other transcripts: splice acceptor variant (1).
Genome position (GRCh38, 1-based): chr11:47,289,788, G>A. VCF-style: chr11-47289788-G-A. GRCh37 (hg19) VCF-style: chr11-47311339-G-A.
Other names: c.2757-79G>A (NM_130470.3, NM_001376576.1, NM_001376622.1 and 12 more transcripts); c.2628-79G>A (NM_001376641.1, NM_001376595.1, NM_001376616.1 and 20 more transcripts); c.2655-79G>A (NM_001376614.1, NM_001376583.1, NM_001376611.1 and 1 more transcripts); c.2730-79G>A (NM_001376631.1, NM_001376578.1); c.2688-79G>A (NM_001376625.1, NM_001376630.1, NM_001376636.1 and 15 more transcripts); c.2613-79G>A (NM_001376648.1, NM_001376626.1); c.2817-79G>A (NM_003682.4, NM_001376600.1, NM_001376574.1 and 11 more transcripts); c.2757-1G>A (NM_001376596.1); and 9 more.
Identifiers: ClinVar variation 4292056 (VCV004292056.1).